The following is an entry in ClinVar:

NM_020702.5(MYORG):c.972C>G (p.Tyr324Ter)

Gene: MYORG (myogenesis regulating glycosidase; minus strand). Cytogenetic location: 9p13.3.
Variant type: single nucleotide variant.
Coding change: c.972C>G on transcript NM_020702.5 (MANE Select); coding-DNA position 972, C replaced by G.
Protein change: p.Tyr324Ter; replaces tyrosine 324 with a stop codon.
Molecular consequence: nonsense.
Genome position (GRCh38, 1-based): chr9:34,371,972, G>C on the plus strand (C>G on the coding strand, the complement: MYORG is on the minus strand). VCF-style: chr9-34371972-G-C. GRCh37 (hg19) VCF-style: chr9-34371970-G-C.
Other names: short protein forms Y324*.
Identifiers: ClinVar variation 3619439 (VCV003619439.2).

ClinVar aggregate classification (germline): Pathogenic (1 of 4 stars; one submission).

Submission:

Labcorp Genetics (formerly Invitae), Labcorp
Classification: Pathogenic. Last evaluated: 2024-03-07. Review status: criteria provided, single submitter. Criteria: Invitae Variant Classification Sherloc (09022015). Collection method: clinical testing. Allele origin: germline.
Comment: This sequence change creates a premature translational stop signal (p.Tyr324*) in the KIAA1161 gene. While this is not anticipated to result in nonsense mediated decay, it is expected to disrupt the last 391 amino acid(s) of the KIAA1161 protein. This variant is not present in population databases (gnomAD no frequency). This premature translational stop signal has been observed in individual(s) with primary familial brain calcification (PMID: 34745211). This variant disrupts a region of the KIAA1161 protein in which other variant(s) (p.Ile656Thr) have been determined to be pathogenic (PMID: 30649222, 31009047, 31951047, 32211515). This suggests that this is a clinically significant region of the protein, and that variants that disrupt it are likely to be disease-causing. For these reasons, this variant has been classified as Pathogenic.

Literature cited by the submitters: PubMed 34745211; PubMed 30649222; PubMed 31009047; PubMed 31951047; PubMed 32211515.